The following is an entry in ClinVar:

ClinVar aggregate classification (germline): Pathogenic (1 of 4 stars; one submission).

Submission:

Labcorp Genetics (formerly Invitae), Labcorp
Classification: Pathogenic. Last evaluated: 2022-03-15. Review status: criteria provided, single submitter. Criteria: Invitae Variant Classification Sherloc (09022015). Collection method: clinical testing. Allele origin: germline.
Comment: This variant is not present in population databases (gnomAD no frequency). This variant has not been reported in the literature in individuals affected with CYP17A1-related conditions. This variant disrupts a region of the CYP17A1 protein in which other variant(s) (p.Arg496Cys) have been determined to be pathogenic (PMID: 1515452, 9888582; Invitae). This suggests that this is a clinically significant region of the protein, and that variants that disrupt it are likely to be disease-causing. For these reasons, this variant has been classified as Pathogenic. This sequence change creates a premature translational stop signal (p.Gln424Serfs*7) in the CYP17A1 gene. While this is not anticipated to result in nonsense mediated decay, it is expected to disrupt the last 85 amino acid(s) of the CYP17A1 protein.

Literature cited by the submitters: PubMed 1515452; PubMed 9888582.

NM_000102.4(CYP17A1):c.1270del (p.Gln424fs)

Gene: CYP17A1 (cytochrome P450 family 17 subfamily A member 1; minus strand). Cytogenetic location: 10q24.32.
Variant type: Deletion.
Coding change: c.1270del on transcript NM_000102.4 (MANE Select); coding-DNA position 1270, one base deleted (C; older notation c.1270delC).
Protein change: p.Gln424fs; shifts the reading frame from glutamine 424.
Molecular consequence: frameshift variant.
Genome position (GRCh38, 1-based): chr10:102,830,959, G deleted on the plus strand (C on the coding strand, the reverse complement: CYP17A1 is on the minus strand); the first of 3 consecutive G bases (chr10:102,830,959-102,830,961); deleting any one gives the same sequence. VCF-style (leftmost placement, unchanged base first): chr10-102830958-TG-T. GRCh37 (hg19) VCF-style: chr10-104590715-TG-T.
Other names: short protein forms Q424fs.
Identifiers: ClinVar variation 1960902 (VCV001960902.5), dbSNP rs1844079566, ClinGen allele CA1932867258.
Genomic context (GRCh38, chr10:102,830,958, plus strand): 5'-CCTATACAGGAGCGAGGTCCTGCTCCGAAGGGCAAATAGCTTACTGACGGTGAGATGAGC[TG>T]GGTCCCCGCTGGATTCAAGAAACGCTCTGCAGGCAAGGAGTGGCATCAGCCAGGGGTTAG-3'